The following is an entry in ClinVar:

NM_032119.4(ADGRV1):c.12019A>C (p.Ser4007Arg)

Gene: ADGRV1 (adhesion G protein-coupled receptor V1; plus strand). Cytogenetic location: 5q14.3.
Variant type: single nucleotide variant.
Coding change: c.12019A>C on transcript NM_032119.4 (MANE Select); coding-DNA position 12019, A replaced by C.
Protein change: p.Ser4007Arg; replaces serine 4007 with arginine.
Molecular consequence: missense variant. On other transcripts: non-coding transcript variant (1).
Genome position (GRCh38, 1-based): chr5:90,759,487, A>C. VCF-style: chr5-90759487-A-C. GRCh37 (hg19) VCF-style: chr5-90055304-A-C.
Other names: short protein forms S4007R.
Identifiers: ClinVar variation 2055816 (VCV002055816.4), dbSNP rs2531672432, ClinGen allele CA360373601.

ClinVar aggregate classification (germline): Uncertain significance (1 of 4 stars; one submission).

Submission:

Labcorp Genetics (formerly Invitae), Labcorp
Classification: Uncertain significance. Last evaluated: 2022-08-23. Review status: criteria provided, single submitter. Criteria: Invitae Variant Classification Sherloc (09022015). Collection method: clinical testing. Allele origin: germline.
Comment: Algorithms developed to predict the effect of missense changes on protein structure and function output the following: SIFT: "Tolerated"; PolyPhen-2: "Benign"; Align-GVGD: "Class C0". The arginine amino acid residue is found in multiple mammalian species, which suggests that this missense change does not adversely affect protein function. This sequence change replaces serine, which is neutral and polar, with arginine, which is basic and polar, at codon 4007 of the ADGRV1 protein (p.Ser4007Arg). This variant is not present in population databases (gnomAD no frequency). This variant has not been reported in the literature in individuals affected with ADGRV1-related conditions. In summary, the available evidence is currently insufficient to determine the role of this variant in disease. Therefore, it has been classified as a Variant of Uncertain Significance.